The following is an entry in ClinVar:

NM_022047.4(DEF6):c.1682C>G (p.Pro561Arg)

Gene: DEF6 (DEF6 guanine nucleotide exchange factor; plus strand). Cytogenetic location: 6p21.31.
Variant type: single nucleotide variant.
Coding change: c.1682C>G on transcript NM_022047.4 (MANE Select); coding-DNA position 1682, C replaced by G.
Protein change: p.Pro561Arg; replaces proline 561 with arginine.
Molecular consequence: missense variant.
Genome position (GRCh38, 1-based): chr6:35,321,196, C>G. VCF-style: chr6-35321196-C-G. GRCh37 (hg19) VCF-style: chr6-35288973-C-G.
Other names: short protein forms P561R.
Identifiers: ClinVar variation 2413249 (VCV002413249.6), dbSNP rs149576757, ClinGen allele CA363768802.

ClinVar aggregate classification (germline): Uncertain significance (1 of 4 stars; one submission).

gnomAD v4.1: 1 of 1,612,224 alleles (0.000062%); highest among the groups gnomAD compares: South Asian, 0.0011%; no homozygotes.

Submission:

Labcorp Genetics (formerly Invitae), Labcorp
Classification: Uncertain significance. Last evaluated: 2022-02-21. Review status: criteria provided, single submitter. Criteria: Invitae Variant Classification Sherloc (09022015). Collection method: clinical testing. Allele origin: germline.
Comment: This sequence change replaces proline, which is neutral and non-polar, with arginine, which is basic and polar, at codon 561 of the DEF6 protein (p.Pro561Arg). This variant is not present in population databases (gnomAD no frequency). This variant has not been reported in the literature in individuals affected with DEF6-related conditions. Algorithms developed to predict the effect of missense changes on protein structure and function (SIFT, PolyPhen-2, Align-GVGD) all suggest that this variant is likely to be tolerated. In summary, the available evidence is currently insufficient to determine the role of this variant in disease. Therefore, it has been classified as a Variant of Uncertain Significance.